The following is an entry in ClinVar:

ClinVar aggregate classification (germline): Uncertain significance (1 of 4 stars; one submission).

Submission:

Ambry Genetics
Classification: Uncertain significance. Last evaluated: 2023-05-07. Review status: criteria provided, single submitter. Criteria: Ambry Variant Classification Scheme 2023. Collection method: clinical testing. Allele origin: germline.
Comment: The p.T426R variant (also known as c.1277C>G), located in coding exon 12 of the PRKDC gene, results from a C to G substitution at nucleotide position 1277. The threonine at codon 426 is replaced by arginine, an amino acid with similar properties. This amino acid position is conserved. In addition, this alteration is predicted to be tolerated by in silico analysis. Since supporting evidence is limited at this time, the clinical significance of this alteration remains unclear.

NM_006904.7(PRKDC):c.1277C>G (p.Thr426Arg)

Gene: PRKDC (protein kinase, DNA-activated, catalytic subunit; minus strand). Cytogenetic location: 8q11.21.
Variant type: single nucleotide variant.
Coding change: c.1277C>G on transcript NM_006904.7 (MANE Select); coding-DNA position 1277, C replaced by G.
Protein change: p.Thr426Arg; replaces threonine 426 with arginine.
Molecular consequence: missense variant.
Genome position (GRCh38, 1-based): chr8:47,936,354, G>C on the plus strand (C>G on the coding strand, the complement: PRKDC is on the minus strand). VCF-style: chr8-47936354-G-C. GRCh37 (hg19) VCF-style: chr8-48848914-G-C.
Other names: c.1277C>G, p.Thr426Arg (NM_001081640.2); short protein forms T426R.
Identifiers: ClinVar variation 2564548 (VCV002564548.2), dbSNP rs1249367393, ClinGen allele CA371166038.